The following is an entry in ClinVar:

NM_001145809.2(MYH14):c.1390G>T (p.Val464Phe)

Gene: MYH14 (myosin heavy chain 14; plus strand). Cytogenetic location: 19q13.33.
Variant type: single nucleotide variant.
Coding change: c.1390G>T on transcript NM_001145809.2 (MANE Select); coding-DNA position 1390, G replaced by T.
Protein change: p.Val464Phe; replaces valine 464 with phenylalanine.
Molecular consequence: missense variant.
Genome position (GRCh38, 1-based): chr19:50,249,047, G>T. VCF-style: chr19-50249047-G-T. GRCh37 (hg19) VCF-style: chr19-50752304-G-T.
Other names: c.1390G>T, p.Val464Phe (NM_001077186.2); c.1366G>T, p.Val456Phe (NM_024729.4); short protein forms V456F, V464F.
Identifiers: ClinVar variation 2055494 (VCV002055494.4), dbSNP rs2514357438, ClinGen allele CA406959001.

ClinVar aggregate classification (germline): Uncertain significance (1 of 4 stars; one submission).

Submission:

Labcorp Genetics (formerly Invitae), Labcorp
Classification: Uncertain significance. Last evaluated: 2024-04-15. Review status: criteria provided, single submitter. Criteria: Invitae Variant Classification Sherloc (09022015). Collection method: clinical testing. Allele origin: germline.
Comment: This sequence change replaces valine, which is neutral and non-polar, with phenylalanine, which is neutral and non-polar, at codon 456 of the MYH14 protein (p.Val456Phe). This variant is not present in population databases (gnomAD no frequency). This variant has not been reported in the literature in individuals affected with MYH14-related conditions. ClinVar contains an entry for this variant (Variation ID: 2055494). Advanced modeling of protein sequence and biophysical properties (such as structural, functional, and spatial information, amino acid conservation, physicochemical variation, residue mobility, and thermodynamic stability) has been performed at Invitae for this missense variant, however the output from this modeling did not meet the statistical confidence thresholds required to predict the impact of this variant on MYH14 protein function. In summary, the available evidence is currently insufficient to determine the role of this variant in disease. Therefore, it has been classified as a Variant of Uncertain Significance.